The following is an entry in ClinVar:

NM_000548.5(TSC2):c.1789C>A (p.His597Asn)

Gene: TSC2 (TSC complex subunit 2; plus strand). Cytogenetic location: 16p13.3.
Variant type: single nucleotide variant.
Coding change: c.1789C>A on transcript NM_000548.5 (MANE Select); coding-DNA position 1789, C replaced by A.
Protein change: p.His597Asn; replaces histidine 597 with asparagine.
Molecular consequence: missense variant. On other transcripts: non-coding transcript variant (5).
Genome position (GRCh38, 1-based): chr16:2,070,528, C>A. VCF-style: chr16-2070528-C-A. GRCh37 (hg19) VCF-style: chr16-2120529-C-A.
Other names: c.1189C>A, p.His397Asn (NM_001406680.1, NM_001406682.1, NM_001406683.1 and 6 more transcripts); c.1327C>A, p.His443Asn (NM_001406681.1); c.445C>A, p.His149Asn (NM_001406689.1, NM_001406690.1, NM_001406691.1 and 6 more transcripts); c.187C>A, p.His63Asn (NM_001406698.1); c.1789C>A, p.His597Asn (NM_021055.3, NM_001077183.3, NM_001114382.3 and 6 more transcripts); c.1678C>A, p.His560Asn (NM_001318827.2, NM_001406670.1, NM_001406678.1); c.1642C>A, p.His548Asn (NM_001318829.2, NM_001406675.1, NM_001406676.1 and 1 more transcripts); c.1822C>A, p.His608Asn (NM_001318832.2); and 3 more; short protein forms H149N, H397N, H443N, H548N, H560N, H578N, H593N, H597N.
Identifiers: ClinVar variation 4866126 (VCV004866126.1).

ClinVar aggregate classification (germline): Uncertain significance (1 of 4 stars; one submission).

Conditions:
Hereditary cancer-predisposing syndrome. Also called: Neoplastic Syndromes, Hereditary; Tumor predisposition; Hereditary Cancer Syndrome; Hereditary neoplastic syndrome. Identifiers: Orphanet 140162, MedGen C0027672, MeSH D009386, MONDO:0015356.

Submission:

Ambry Genetics
Classification: Uncertain significance for Hereditary cancer-predisposing syndrome. Last evaluated: 2026-05-26. Review status: criteria provided, single submitter. Criteria: Ambry Variant Classification Scheme 2023. Collection method: clinical testing. Allele origin: germline.
Comment: The p.H597N variant (also known as c.1789C>A), located in coding exon 16 of the TSC2 gene, results from a C to A substitution at nucleotide position 1789. The histidine at codon 597 is replaced by asparagine, an amino acid with similar properties. This amino acid position is highly conserved in available vertebrate species. In addition, this alteration is predicted to be deleterious by in silico analysis. Based on the available evidence, the clinical significance of this variant remains unclear.